The following is an entry in ClinVar:

NM_003849.4(SUCLG1):c.318+1G>A

Gene: SUCLG1 (succinate-CoA ligase GDP/ADP-forming subunit alpha; minus strand). Cytogenetic location: 2p11.2.
Variant type: single nucleotide variant.
Coding change: c.318+1G>A on transcript NM_003849.4 (MANE Select); the canonical splice donor site of the intron after coding-DNA position 318, G replaced by A.
Molecular consequence: splice donor variant.
Genome position (GRCh38, 1-based): chr2:84,443,283, C>T on the plus strand (G>A on the coding strand, the complement: SUCLG1 is on the minus strand). VCF-style: chr2-84443283-C-T. GRCh37 (hg19) VCF-style: chr2-84670407-C-T.
Identifiers: ClinVar variation 4994916 (VCV004994916.1).

ClinVar aggregate classification (germline): Likely pathogenic (1 of 4 stars; one submission).

Conditions:
SUCLG1-related disorder. Also called: SUCLG1-related condition.

Submission:

PreventionGenetics, part of Exact Sciences
Classification: Likely pathogenic for SUCLG1-related condition. Last evaluated: 2026-09-19. Review status: criteria provided, single submitter. Criteria: ACMG Guidelines, 2015. Collection method: clinical testing. Allele origin: germline.
Comment: The SUCLG1 c.318+1G>A variant is predicted to disrupt the GT donor site and interfere with normal splicing. To our knowledge, this variant has not been reported in the literature or in a large population database (gnomAD), indicating this variant is rare. Variants that disrupt the consensus splice donor site in SUCLG1 are expected to be pathogenic. This variant is interpreted as likely pathogenic.